The following is an entry in ClinVar:

NM_000108.5(DLD):c.337+1G>T

Gene: DLD (dihydrolipoamide dehydrogenase; plus strand). Cytogenetic location: 7q31.1.
Variant type: single nucleotide variant.
Coding change: c.337+1G>T on transcript NM_000108.5 (MANE Select); the canonical splice donor site of the intron after coding-DNA position 337, G replaced by T.
Molecular consequence: splice donor variant.
Genome position (GRCh38, 1-based): chr7:107,903,548, G>T. VCF-style: chr7-107903548-G-T. GRCh37 (hg19) VCF-style: chr7-107543993-G-T.
Other names: c.337+1G>T (NM_001289752.1); c.268+1G>T (NM_001289751.1); c.40+1G>T (NM_001289750.1).
Identifiers: ClinVar variation 2089610 (VCV002089610.4), dbSNP rs2535575989, ClinGen allele CA368855162.

ClinVar aggregate classification (germline): Likely pathogenic (1 of 4 stars; one submission).

Conditions:
Pyruvate dehydrogenase E3 deficiency (DLDD). Also called: Dihydrolipoamide Dehydrogenase E3 Deficiency; Dihydrolipoamide Dehydrogenase (E3) Deficiency; MAPLE SYRUP URINE DISEASE, TYPE III; DLD DEFICIENCY; E3 DEFICIENCY; Lipoamide dehydrogenase deficiency, lactic acidosis due to. Identifiers: Orphanet 2394, Orphanet 765, MedGen C5574660, MONDO:0009529, OMIM 246900.

Submission:

Labcorp Genetics (formerly Invitae), Labcorp
Classification: Likely pathogenic for Pyruvate dehydrogenase E3 deficiency. Last evaluated: 2022-01-26. Review status: criteria provided, single submitter. Criteria: Invitae Variant Classification Sherloc (09022015). Collection method: clinical testing. Allele origin: germline.
Comment: In summary, the currently available evidence indicates that the variant is pathogenic, but additional data are needed to prove that conclusively. Therefore, this variant has been classified as Likely Pathogenic. This sequence change affects a donor splice site in intron 5 of the DLD gene. It is expected to disrupt RNA splicing. Variants that disrupt the donor or acceptor splice site typically lead to a loss of protein function (PMID: 16199547), and loss-of-function variants in DLD are known to be pathogenic (PMID: 8968745, 9934985). This variant is not present in population databases (gnomAD no frequency). This variant has not been reported in the literature in individuals affected with DLD-related conditions. Algorithms developed to predict the effect of sequence changes on RNA splicing suggest that this variant may disrupt the consensus splice site.

Literature cited by the submitters: PubMed 16199547; PubMed 8968745; PubMed 9934985.